The following is an entry in ClinVar:

ClinVar aggregate classification (germline): Benign. Review status: criteria provided, multiple submitters, no conflicts (2 of 4 stars). 4 submissions from 4 submitters: Benign (4). Last evaluated 2021-07-14.

Conditions:
Timothy syndrome (TS). Also called: LONG QT SYNDROME WITH SYNDACTYLY. Identifiers: Orphanet 65283, MedGen C1832916, MeSH C536962, MONDO:0010979, OMIM 601005.
Long QT syndrome (LQTS). Identifiers: MedGen C0023976, MeSH D008133, MONDO:0002442. Disease mechanism: loss of function. Inheritance: Various modes of inheritance.

Allele frequency attached by ClinVar (database versions not stated): 1000 Genomes Project 30x 0.66661; 1000 Genomes Project 0.66693; TOPMed 0.69323; gnomAD 0.70394 and 0.70742.
gnomAD v4.1: 977,042 of 1,259,826 alleles (78%); highest among the groups gnomAD compares: Admixed American, 85%; 384,292 homozygotes.

Submissions (4):

Genome-Nilou Lab
Classification: Benign for Timothy syndrome. Last evaluated: 2021-07-14. Review status: criteria provided, single submitter. Criteria: ACMG Guidelines, 2015. Collection method: clinical testing. Allele origin: germline. Affected: no.

Labcorp Genetics (formerly Invitae), Labcorp
Classification: Benign for Long QT syndrome. Last evaluated: 2019-12-31. Review status: criteria provided, single submitter. Criteria: Invitae Variant Classification Sherloc (09022015). Collection method: clinical testing. Allele origin: germline.

GeneDx
Classification: Benign. Last evaluated: 2018-06-14. Review status: criteria provided, single submitter. Criteria: GeneDx Variant Classification (06012015). Collection method: clinical testing. Allele origin: germline. Affected: yes.
Comment: This variant is considered likely benign or benign based on one or more of the following criteria: it is a conservative change, it occurs at a poorly conserved position in the protein, it is predicted to be benign by multiple in silico algorithms, and/or has population frequency not consistent with disease.

Breakthrough Genomics
Classification: Benign. Review status: criteria provided, single submitter. Criteria: ACMG Guidelines, 2015. Collection method: not provided. Allele origin: germline. Inheritance: Autosomal dominant inheritance. Affected: yes.

NM_000719.7(CACNA1C):c.3945+83T>C

Gene: CACNA1C (calcium voltage-gated channel subunit alpha1 C; plus strand). Cytogenetic location: 12p13.33.
Variant type: single nucleotide variant.
Coding change: c.3945+83T>C on transcript NM_000719.7 (MANE Select); 83 bases into the intron after coding-DNA position 3945, T replaced by C.
Molecular consequence: intron variant.
Genome position (GRCh38, 1-based): chr12:2,648,590, T>C. VCF-style: chr12-2648590-T-C. GRCh37 (hg19) VCF-style: chr12-2757756-T-C.
Other names: c.3945+83T>C (NM_001167624.3, NM_001167623.2, NM_001129840.2 and 8 more transcripts); c.3913-3050T>C (NM_001167625.2, NM_001129837.2, NM_001129838.2 and 1 more transcripts); c.4089+83T>C (NM_199460.4, NM_001129827.2); c.4005+83T>C (NM_001129832.2); c.4029+83T>C (NM_001129831.2); c.3907-3050T>C (NM_001129839.2); c.3997-3050T>C (NM_001129836.2); c.3936+83T>C (NM_001129844.2).
Identifiers: ClinVar variation 671806 (VCV000671806.9), dbSNP rs2239127, ClinGen allele CA13611117.
Genomic context (GRCh38, chr12:2,648,590, plus strand): 5'-TGCTCCCGGCTTCCGTGTCCCCCTCTAACACCCCCACTCTCCCCACCCCGAACTCCAGAG[T>C]CCCTGGGAGCCCTGCCTGGCTCTCACTGCATGTGGCCACTGTGTCTGCCGTGTGCCTTGC-3'